The following is an entry in ClinVar:

NM_006397.3(RNASEH2A):c.539T>A (p.Ile180Asn)

Gene: RNASEH2A (ribonuclease H2 subunit A; plus strand). Cytogenetic location: 19p13.13.
Variant type: single nucleotide variant.
Coding change: c.539T>A on transcript NM_006397.3 (MANE Select); coding-DNA position 539, T replaced by A.
Protein change: p.Ile180Asn; replaces isoleucine 180 with asparagine.
Molecular consequence: missense variant.
Genome position (GRCh38, 1-based): chr19:12,810,198, T>A. VCF-style: chr19-12810198-T-A. GRCh37 (hg19) VCF-style: chr19-12921012-T-A.
Other names: short protein forms I180N.
Identifiers: ClinVar variation 2122768 (VCV002122768.4), dbSNP rs2512478124, ClinGen allele CA404267163.

ClinVar aggregate classification (germline): Uncertain significance (1 of 4 stars; one submission).

Conditions:
Aicardi-Goutieres syndrome 4. Identifiers: Orphanet 51, MedGen C1835912, MONDO:0012472, OMIM 610333.

Submission:

Labcorp Genetics (formerly Invitae), Labcorp
Classification: Uncertain significance for Aicardi-Goutieres syndrome 4. Last evaluated: 2022-04-07. Review status: criteria provided, single submitter. Criteria: Invitae Variant Classification Sherloc (09022015). Collection method: clinical testing. Allele origin: germline.
Comment: In summary, the available evidence is currently insufficient to determine the role of this variant in disease. Therefore, it has been classified as a Variant of Uncertain Significance. Algorithms developed to predict the effect of missense changes on protein structure and function (SIFT, PolyPhen-2, Align-GVGD) all suggest that this variant is likely to be disruptive. This variant has not been reported in the literature in individuals affected with RNASEH2A-related conditions. This variant is not present in population databases (gnomAD no frequency). This sequence change replaces isoleucine, which is neutral and non-polar, with asparagine, which is neutral and polar, at codon 180 of the RNASEH2A protein (p.Ile180Asn).